The following is an entry in ClinVar:

ClinVar aggregate classification (germline): Uncertain significance (1 of 4 stars; one submission).

Allele frequency attached by ClinVar (database versions not stated): gnomAD 0.00001.

Submission:

Ambry Genetics
Classification: Uncertain significance. Last evaluated: 2023-03-14. Review status: criteria provided, single submitter. Criteria: Ambry Variant Classification Scheme 2023. Collection method: clinical testing. Allele origin: germline.
Comment: The p.D250Y variant (also known as c.748G>T), located in coding exon 3 of the ALPK2 gene, results from a G to T substitution at nucleotide position 748. The aspartic acid at codon 250 is replaced by tyrosine, an amino acid with highly dissimilar properties. This amino acid position is conserved. In addition, this alteration is predicted to be tolerated by in silico analysis. Since supporting evidence is limited at this time, the clinical significance of this alteration remains unclear.

NM_052947.4(ALPK2):c.748G>T (p.Asp250Tyr)

Genes: ALPK2 (alpha kinase 2; minus strand), LOC114803473 (ALPK2 eExon liver enhancer; plus strand). Cytogenetic location: 18q21.31.
Variant type: single nucleotide variant.
Coding change: c.748G>T on transcript NM_052947.4 (MANE Select); coding-DNA position 748, G replaced by T.
Protein change: p.Asp250Tyr; replaces aspartic acid 250 with tyrosine.
Molecular consequence: missense variant.
Genome position (GRCh38, 1-based): chr18:58,580,028, C>A on the plus strand (G>T on the coding strand, the complement: ALPK2 is on the minus strand). VCF-style: chr18-58580028-C-A. GRCh37 (hg19) VCF-style: chr18-56247260-C-A.
Other names: short protein forms D250Y.
Identifiers: ClinVar variation 2449318 (VCV002449318.2), dbSNP rs762050119, ClinGen allele CA402567294.